The following is an entry in ClinVar:

ClinVar aggregate classification (germline): Benign/Likely benign. Review status: criteria provided, multiple submitters, no conflicts (2 of 4 stars). 5 submissions from 5 submitters: Benign (2); Likely benign (2). 1 of the submissions does not count toward it. Last evaluated 2025-10-08.

Conditions:
CILK1-related disorder. Also called: CILK1-related condition.

Allele frequency attached by ClinVar (database versions not stated): gnomAD below 0.00001 and 0.00014; TOPMed 0.00002; gnomAD exomes 0.00030 and 0.00066; ExAC 0.00077; 1000 Genomes Project 30x 0.00109; 1000 Genomes Project 0.00140.
gnomAD v4.1: 466 of 1,614,210 alleles (0.029%); highest among the groups gnomAD compares: South Asian, 0.49%; 6 homozygotes.

Submissions (5):

Labcorp Genetics (formerly Invitae), Labcorp
Classification: Benign. Last evaluated: 2025-10-08. Review status: criteria provided, single submitter. Criteria: Invitae Variant Classification Sherloc (09022015). Collection method: clinical testing. Allele origin: germline.

Blueprint Genetics
Classification: Likely benign. Last evaluated: 2024-11-13. Review status: criteria provided, single submitter. Criteria: ACMG Guidelines, 2015. Collection method: clinical testing. Allele origin: germline.

ARUP Laboratories, Molecular Genetics and Genomics, ARUP Laboratories
Classification: Likely benign. Last evaluated: 2020-08-24. Review status: criteria provided, single submitter. Criteria: ARUP Molecular Germline Variant Investigation Process. Collection method: clinical testing. Allele origin: germline.

Eurofins Ntd Llc (ga)
Classification: Benign. Last evaluated: 2015-10-09. Review status: criteria provided, single submitter. Criteria: EGL Classification Definitions 2015. Collection method: clinical testing. Allele origin: germline. Observed: 1 variant allele, 1 heterozygote.

PreventionGenetics, part of Exact Sciences
Classification: Likely benign for CILK1-related condition. Last evaluated: 2019-04-16. Review status: no assertion criteria provided. Collection method: clinical testing. Allele origin: germline. Not counted in ClinVar's aggregate classification.
Comment: This variant is classified as likely benign based on ACMG/AMP sequence variant interpretation guidelines (Richards et al. 2015 PMID: 25741868, with internal and published modifications).

NM_014920.5(CILK1):c.534C>T (p.Ser178=)

Gene: CILK1 (ciliogenesis associated kinase 1; minus strand). Cytogenetic location: 6p12.1.
Variant type: single nucleotide variant.
Coding change: c.534C>T on transcript NM_014920.5 (MANE Select); coding-DNA position 534, C replaced by T.
Protein change: p.Ser178=; no amino-acid change (serine 178 retained).
Molecular consequence: synonymous variant. On other transcripts: non-coding transcript variant (1).
Genome position (GRCh38, 1-based): chr6:53,018,459, G>A on the plus strand (C>T on the coding strand, the complement: CILK1 is on the minus strand). VCF-style: chr6-53018459-G-A. GRCh37 (hg19) VCF-style: chr6-52883257-G-A.
Other names: c.534C>T, p.Ser178= (NM_001375397.1, NM_001375398.1, NM_001375399.1 and 4 more transcripts); c.534C>T (NM_016513.4).
Identifiers: ClinVar variation 283932 (VCV000283932.21), dbSNP rs543243399, ClinGen allele CA3858765.